The following is an entry in ClinVar:

ClinVar aggregate classification (germline): Pathogenic/Likely pathogenic. Review status: criteria provided, multiple submitters, no conflicts (2 of 4 stars). 4 submissions from 4 submitters: Pathogenic (1); Likely pathogenic (2). 1 of the submissions does not count toward it. Last evaluated 2025-09-09.

Conditions:
Mucopolysaccharidosis, MPS-III-B (MPS3B). Also called: SANFILIPPO SYNDROME B; MPS III B; MUCOPOLYSACCHARIDOSIS, TYPE IIIB; Mucopolysaccharidosis type IIIB (Sanfilippo B); MPS IIIB (Sanfilippo Syndrome Type B); N-ACETYL-ALPHA-D-GLUCOSAMINIDASE DEFICIENCY. Identifiers: Orphanet 79270, MedGen C0086648, MONDO:0009656, OMIM 252920.
Charcot-Marie-Tooth disease axonal type 2V. Also called: CHARCOT-MARIE-TOOTH NEUROPATHY, TYPE 2V; CHARCOT-MARIE-TOOTH DISEASE, AXONAL, AUTOSOMAL DOMINANT, TYPE 2V. Identifiers: Orphanet 447964, MedGen C5569050, MONDO:0014665, OMIM 616491.

Allele frequency attached by ClinVar (database versions not stated): ExAC 0.00001; gnomAD 0.00001; 1000 Genomes Project 30x 0.00016; 1000 Genomes Project 0.00020.
gnomAD v4.1: 5 of 1,598,848 alleles (0.00031%); highest among the groups gnomAD compares: African/African-American, 0.0027%; no homozygotes.

Submissions (4):

Natera, Inc.
Classification: Likely pathogenic for Mucopolysaccharidosis type IIIB. Last evaluated: 2025-09-09. Review status: criteria provided, single submitter. Criteria: Natera Variant Classification Schema (03/2026). Collection method: clinical testing. Allele origin: germline.
Comment: The c.1445G>A variant in NAGLU is a missense variant predicted to cause substitution of arginine to glutamine at amino acid 482. This variant is rare in the general population with a frequency below the threshold expected for the associated phenotype(s). This variant has been observed in one or more individuals affected with the associated recessive disease, as either homozygous or compound heterozygous with a second variant (PMID: 14984474, 37596900). Functional studies show that this variant may disrupt protein function (PMID: 14984474). A different variant at the same position has been determined to be Pathogenic or Likely Pathogenic. Given the available evidence, this variant is classified as Likely Pathogenic.

Labcorp Genetics (formerly Invitae), Labcorp
Classification: Pathogenic for Charcot-Marie-Tooth disease axonal type 2V; Mucopolysaccharidosis, MPS-III-B. Last evaluated: 2025-09-02. Review status: criteria provided, single submitter. Criteria: Invitae Variant Classification Sherloc (09022015). Collection method: clinical testing. Allele origin: germline.
Comment: This sequence change replaces arginine, which is basic and polar, with glutamine, which is neutral and polar, at codon 482 of the NAGLU protein (p.Arg482Gln). The frequency data for this variant in the population databases is considered unreliable, as metrics indicate poor data quality at this position in the gnomAD database. This missense change has been observed in individual(s) with mucopolysaccharidosis type III (PMID: 14984474, 37596900). ClinVar contains an entry for this variant (Variation ID: 553948). Invitae Evidence Modeling of protein sequence and biophysical properties (such as structural, functional, and spatial information, amino acid conservation, physicochemical variation, residue mobility, and thermodynamic stability) indicates that this missense variant is expected to disrupt NAGLU protein function with a positive predictive value of 95%. Experimental studies have shown that this missense change affects NAGLU function (PMID: 14984474, 29979746). This variant disrupts the p.Arg482 amino acid residue in NAGLU. Other variant(s) that disrupt this residue have been determined to be pathogenic (PMID: 9950362, 12202988, 16151907, 16447797, 23667853, 28018442). This suggests that this residue is clinically significant, and that variants that disrupt this residue are likely to be disease-causing. For these reasons, this variant has been classified as Pathogenic.

GeneDx
Classification: Likely pathogenic. Last evaluated: 2022-11-15. Review status: criteria provided, single submitter. Criteria: GeneDx Variant Classification Process June 2021. Collection method: clinical testing. Allele origin: germline. Affected: yes.
Comment: Published functional studies demonstrate reduced enzyme activity (Beesley et al., 2004; Clark et al., 2018); Not observed at significant frequency in large population cohorts (gnomAD); In silico analysis supports that this missense variant has a deleterious effect on protein structure/function; This variant is associated with the following publications: (PMID: 26659599, 29979746, 14984474)

Counsyl
Classification: Uncertain significance for Mucopolysaccharidosis, MPS-III-B. Last evaluated: 2017-09-20. Review status: no assertion criteria provided. Collection method: clinical testing. Allele origin: unknown. Not counted in ClinVar's aggregate classification.

Literature cited by the submitters: PubMed 14984474 (cited by 3 submitters); PubMed 37596900 (cited by Natera, Inc. and Labcorp Genetics (formerly Invitae), Labcorp); PubMed 29979746 (cited by Labcorp Genetics (formerly Invitae), Labcorp); PubMed 9950362 (cited by Labcorp Genetics (formerly Invitae), Labcorp); PubMed 12202988 (cited by Labcorp Genetics (formerly Invitae), Labcorp); PubMed 16151907 (cited by Labcorp Genetics (formerly Invitae), Labcorp); PubMed 16447797 (cited by Labcorp Genetics (formerly Invitae), Labcorp); PubMed 23667853 (cited by Labcorp Genetics (formerly Invitae), Labcorp); PubMed 28018442 (cited by Labcorp Genetics (formerly Invitae), Labcorp).

NM_000263.4(NAGLU):c.1445G>A (p.Arg482Gln)

Gene: NAGLU (N-acetyl-alpha-glucosaminidase; plus strand). Cytogenetic location: 17q21.2.
Variant type: single nucleotide variant.
Coding change: c.1445G>A on transcript NM_000263.4 (MANE Select); coding-DNA position 1445, G replaced by A.
Protein change: p.Arg482Gln; replaces arginine 482 with glutamine.
Molecular consequence: missense variant.
Genome position (GRCh38, 1-based): chr17:42,543,451, G>A. VCF-style: chr17-42543451-G-A. GRCh37 (hg19) VCF-style: chr17-40695469-G-A.
Other names: short protein forms R482Q.
Identifiers: ClinVar variation 553948 (VCV000553948.11), dbSNP rs200909691, ClinGen allele CA8577022.
Genomic context (GRCh38, chr17:42,543,451, plus strand): 5'-GCTGGCGAAAGGACCCAGTGCCAGATTTGGCAGCCTGGGTGACCAGCTTTGCCGCCCGGC[G>A]GTATGGGGTCTCCCACCCGGACGCAGGGGCAGCGTGGAGGCTACTGCTCCGGAGTGTGTA-3'
Protein context (NP_000254.2, residues 472-492): AAWVTSFAAR[Arg482Gln]YGVSHPDAGA